The following is an entry in ClinVar:

ClinVar aggregate classification (germline): Uncertain significance. Review status: criteria provided, multiple submitters, no conflicts (2 of 4 stars). 2 submissions from 2 submitters: Uncertain significance (2). Last evaluated 2024-11-23.

Conditions:
Colorectal cancer, hereditary nonpolyposis, type 7. Identifiers: Orphanet 144, MedGen C1858380, MONDO:0013725, OMIM 614385.

gnomAD v4.1: 2 of 1,614,206 alleles (0.00012%); highest among the groups gnomAD compares: Admixed American, 0.0017%; no homozygotes.

Submissions (2):

Ambry Genetics
Classification: Uncertain significance. Last evaluated: 2024-11-23. Review status: criteria provided, single submitter. Criteria: Ambry Variant Classification Scheme 2023. Collection method: clinical testing. Allele origin: germline.
Comment: The p.M892I variant (also known as c.2676G>C), located in coding exon 1 of the MLH3 gene, results from a G to C substitution at nucleotide position 2676. The methionine at codon 892 is replaced by isoleucine, an amino acid with highly similar properties. This amino acid position is conserved. In addition, this alteration is predicted to be tolerated by in silico analysis. Since supporting evidence is limited at this time, the clinical significance of this alteration remains unclear.

Labcorp Genetics (formerly Invitae), Labcorp
Classification: Uncertain significance for Colorectal cancer, hereditary nonpolyposis, type 7. Last evaluated: 2023-08-17. Review status: criteria provided, single submitter. Criteria: Invitae Variant Classification Sherloc (09022015). Collection method: clinical testing. Allele origin: germline.
Comment: This sequence change replaces methionine, which is neutral and non-polar, with isoleucine, which is neutral and non-polar, at codon 892 of the MLH3 protein (p.Met892Ile). This variant is present in population databases (no rsID available, gnomAD 0.003%). This variant has not been reported in the literature in individuals affected with MLH3-related conditions. ClinVar contains an entry for this variant (Variation ID: 1794608). Algorithms developed to predict the effect of missense changes on protein structure and function output the following: SIFT: "Not Available"; PolyPhen-2: "Benign"; Align-GVGD: "Not Available". The isoleucine amino acid residue is found in multiple mammalian species, which suggests that this missense change does not adversely affect protein function. In summary, the available evidence is currently insufficient to determine the role of this variant in disease. Therefore, it has been classified as a Variant of Uncertain Significance.

NM_001040108.2(MLH3):c.2676G>C (p.Met892Ile)

Gene: MLH3 (mutL homolog 3; minus strand). Cytogenetic location: 14q24.3.
Variant type: single nucleotide variant.
Coding change: c.2676G>C on transcript NM_001040108.2 (MANE Select); coding-DNA position 2676, G replaced by C.
Protein change: p.Met892Ile; replaces methionine 892 with isoleucine.
Molecular consequence: missense variant.
Genome position (GRCh38, 1-based): chr14:75,046,980, C>G on the plus strand (G>C on the coding strand, the complement: MLH3 is on the minus strand). VCF-style: chr14-75046980-C-G. GRCh37 (hg19) VCF-style: chr14-75513683-C-G.
Other names: c.2676G>C, p.Met892Ile (NM_014381.3); short protein forms M892I.
Identifiers: ClinVar variation 1794608 (VCV001794608.6), dbSNP rs755592568, ClinGen allele CA390439098.